The following is an entry in ClinVar:

ClinVar aggregate classification (germline): Uncertain significance (1 of 4 stars; one submission).

Conditions:
Familial cold autoinflammatory syndrome 3 (FCAS3). Also called: FAMILIAL ATYPICAL COLD URTICARIA; ANTIBODY DEFICIENCY AND IMMUNE DYSREGULATION, PLCG2-ASSOCIATED. Identifiers: Orphanet 300359, MedGen C3280914, MONDO:0013766, OMIM 614468.

Submission:

Labcorp Genetics (formerly Invitae), Labcorp
Classification: Uncertain significance for Familial cold autoinflammatory syndrome 3. Last evaluated: 2023-05-20. Review status: criteria provided, single submitter. Criteria: Invitae Variant Classification Sherloc (09022015). Collection method: clinical testing. Allele origin: germline.
Comment: In summary, the available evidence is currently insufficient to determine the role of this variant in disease. Therefore, it has been classified as a Variant of Uncertain Significance. An algorithm developed to predict the effect of missense changes on protein structure and function (PolyPhen-2) suggests that this variant is likely to be tolerated. This variant has not been reported in the literature in individuals affected with PLCG2-related conditions. This variant is present in population databases (no rsID available, gnomAD 0.004%). This sequence change replaces threonine, which is neutral and polar, with serine, which is neutral and polar, at codon 890 of the PLCG2 protein (p.Thr890Ser).

NM_002661.5(PLCG2):c.2668A>T (p.Thr890Ser)

Gene: PLCG2 (phospholipase C gamma 2; plus strand). Cytogenetic location: 16q23.3.
Variant type: single nucleotide variant.
Coding change: c.2668A>T on transcript NM_002661.5 (MANE Select); coding-DNA position 2668, A replaced by T.
Protein change: p.Thr890Ser; replaces threonine 890 with serine.
Molecular consequence: missense variant.
Genome position (GRCh38, 1-based): chr16:81,931,583, A>T. VCF-style: chr16-81931583-A-T. GRCh37 (hg19) VCF-style: chr16-81965188-A-T.
Other names: c.2668A>T, p.Thr890Ser (NM_001425749.1, NM_001425750.1, NM_001425751.1); short protein forms T890S.
Identifiers: ClinVar variation 2866527 (VCV002866527.3), dbSNP rs1377971957, ClinGen allele CA396903640.
Genomic context (GRCh38, chr16:81,931,583, plus strand): 5'-AAGTCCTTTGTCTTCATCCTGGAGCCCAAGCAGCAGGGCGATCCTCCGGTGGAGTTTGCC[A>T]CAGACAGGGTGGAGGAGCTCTTTGAGTGGTTTCAGAGCATCCGAGAGATCACCTGGAAGA-3'
Protein context (NP_002652.2, residues 880-900): QQGDPPVEFA[Thr890Ser]DRVEELFEWF